The following is an entry in ClinVar:

NM_022168.4(IFIH1):c.1121G>A (p.Arg374His)

Gene: IFIH1 (interferon induced with helicase C domain 1; minus strand). Cytogenetic location: 2q24.2.
Variant type: single nucleotide variant.
Coding change: c.1121G>A on transcript NM_022168.4 (MANE Select); coding-DNA position 1121, G replaced by A.
Protein change: p.Arg374His; replaces arginine 374 with histidine.
Molecular consequence: missense variant.
Genome position (GRCh38, 1-based): chr2:162,282,551, C>T on the plus strand (G>A on the coding strand, the complement: IFIH1 is on the minus strand). VCF-style: chr2-162282551-C-T. GRCh37 (hg19) VCF-style: chr2-163139061-C-T.
Other names: c.1121G>A, p.Arg374His (LRG_1235t1); short protein forms R374H.
Identifiers: ClinVar variation 425215 (VCV000425215.54), dbSNP rs145520044, ClinGen allele CA1934606.
Genomic context (GRCh38, chr2:162,282,551, plus strand): 5'-GTATCACCACTTAATCCAATAACACGATACCATTTCTTCAAAAATGGTTGGAACTCCTTG[C>T]GGAAGAGCTGTTCAACTAGCAGTACCTTAAAAAAATGTGAAGATTTTTTAAAAGAGAGAA-3'
Protein context (NP_071451.2, residues 364-384): NKVLLVEQLF[Arg374His]KEFQPFLKKW

ClinVar aggregate classification (germline): Likely benign. Review status: criteria provided, multiple submitters, no conflicts (2 of 4 stars). 4 submissions from 4 submitters: Likely benign (3). 1 of the submissions does not count toward it. Last evaluated 2026-01-31.

Conditions:
IFIH1-related disorder. Also called: IFIH1-related condition.
Singleton-Merten syndrome 1 (SGMRT1). Also called: Widened medullary cavities of bone, aortic calcification, abnormal dentition, and muscular weakness; Syndrome of widened medullary cavities of the metacarpals and phalanges, aortic calcification and abnormal dentition. Identifiers: Orphanet 85191, MedGen C4225427, MONDO:0024535, OMIM 182250.
Aicardi-Goutieres syndrome 7 (AGS7). Identifiers: Orphanet 51, MedGen C3888244, MONDO:0014367, OMIM 615846.

Allele frequency attached by ClinVar (database versions not stated): 1000 Genomes Project 30x 0.00016; 1000 Genomes Project 0.00020; TOPMed 0.00035; gnomAD 0.00041 and 0.00044; ESP Exome Variant Server 0.00046; ExAC 0.00055; gnomAD exomes 0.00056.

Submissions (4):

Labcorp Genetics (formerly Invitae), Labcorp
Classification: Likely benign for Aicardi-Goutieres syndrome 7; Singleton-Merten syndrome 1. Last evaluated: 2026-01-31. Review status: criteria provided, single submitter. Criteria: Invitae Variant Classification Sherloc (09022015). Collection method: clinical testing. Allele origin: germline.

Blueprint Genetics
Classification: Likely benign. Last evaluated: 2024-11-01. Review status: criteria provided, single submitter. Criteria: ACMG Guidelines, 2015. Collection method: clinical testing. Allele origin: germline.

CeGaT Center for Human Genetics Tuebingen
Classification: Likely benign. Last evaluated: 2024-05-01. Review status: criteria provided, single submitter. Criteria: CeGaT Center For Human Genetics Tuebingen Variant Classification Criteria Version 2. Collection method: clinical testing. Allele origin: germline. Affected: yes. Observed: 4 variant alleles.
Comment: IFIH1: BP4

PreventionGenetics, part of Exact Sciences
Classification: Likely benign for IFIH1-related condition. Last evaluated: 2022-02-09. Review status: no assertion criteria provided. Collection method: clinical testing. Allele origin: germline. Not counted in ClinVar's aggregate classification.
Comment: This variant is classified as likely benign based on ACMG/AMP sequence variant interpretation guidelines (Richards et al. 2015 PMID: 25741868, with internal and published modifications).